The following is an entry in ClinVar:

ClinVar aggregate classification (germline): Uncertain significance. Review status: criteria provided, multiple submitters, no conflicts (2 of 4 stars). 2 submissions from 2 submitters: Uncertain significance (2). Last evaluated 2024-08-06.

Conditions:
Hypertrophic cardiomyopathy 10. Also called: CARDIOMYOPATHY, HYPERTROPHIC, MID-LEFT VENTRICULAR CHAMBER TYPE, 2; MYL2-Related Familial Hypertrophic Cardiomyopathy. Identifiers: MedGen C1834460, MONDO:0012112, OMIM 608758.
Hypertrophic cardiomyopathy. Also called: HYPERTROPHIC MYOCARDIOPATHY. Identifiers: Orphanet 217569, MedGen C0007194, MeSH D002312, MONDO:0005045, HP:0001639.

Allele frequency attached by ClinVar (database versions not stated): TOPMed below 0.00001.

Submissions (2):

All of Us Research Program, National Institutes of Health
Classification: Uncertain significance for Hypertrophic cardiomyopathy. Last evaluated: 2024-08-06. Review status: criteria provided, single submitter. Criteria: ACMG Guidelines, 2015. Collection method: clinical testing. Allele origin: germline. Inheritance: Autosomal dominant inheritance. Observed: 1 variant allele, 1 heterozygote.
Comment: This study involves interpretation of variants in research participants for the purpose of population health screening. Participant phenotype was not available at the time of variant classification. Additional details can be found in publication PMID: 35346344, PMCID: PMC8962531

Labcorp Genetics (formerly Invitae), Labcorp
Classification: Uncertain significance for Hypertrophic cardiomyopathy 10. Last evaluated: 2022-07-19. Review status: criteria provided, single submitter. Criteria: Invitae Variant Classification Sherloc (09022015). Collection method: clinical testing. Allele origin: germline.
Comment: In summary, the available evidence is currently insufficient to determine the role of this variant in disease. Therefore, it has been classified as a Variant of Uncertain Significance. Algorithms developed to predict the effect of missense changes on protein structure and function (SIFT, PolyPhen-2, Align-GVGD) all suggest that this variant is likely to be disruptive. ClinVar contains an entry for this variant (Variation ID: 1034666). This missense change has been observed in individual(s) with clinical features of dilated cardiomyopathy (Invitae). This variant is not present in population databases (gnomAD no frequency). This sequence change replaces arginine, which is basic and polar, with threonine, which is neutral and polar, at codon 40 of the MYL2 protein (p.Arg40Thr).

NM_000432.4(MYL2):c.119G>C (p.Arg40Thr)

Gene: MYL2 (myosin light chain 2; minus strand). Cytogenetic location: 12q24.11.
Variant type: single nucleotide variant.
Coding change: c.119G>C on transcript NM_000432.4 (MANE Select); coding-DNA position 119, G replaced by C.
Protein change: p.Arg40Thr; replaces arginine 40 with threonine.
Molecular consequence: missense variant.
Genome position (GRCh38, 1-based): chr12:110,915,765, C>G on the plus strand (G>C on the coding strand, the complement: MYL2 is on the minus strand). VCF-style: chr12-110915765-C-G. GRCh37 (hg19) VCF-style: chr12-111353569-C-G.
Other names: short protein forms R40T.
Identifiers: ClinVar variation 1034666 (VCV001034666.10), dbSNP rs727503299, ClinGen allele CA243563297.